The following is an entry in ClinVar:

NM_003072.5(SMARCA4):c.760G>A (p.Gly254Ser)

Gene: SMARCA4 (SWI/SNF related BAF chromatin remodeling complex subunit ATPase 4; plus strand). Cytogenetic location: 19p13.2.
Variant type: single nucleotide variant.
Coding change: c.760G>A on transcript NM_003072.5 (MANE Select); coding-DNA position 760, G replaced by A.
Protein change: p.Gly254Ser; replaces glycine 254 with serine.
Molecular consequence: missense variant. On other transcripts: non-coding transcript variant (1).
Genome position (GRCh38, 1-based): chr19:10,986,593, G>A. VCF-style: chr19-10986593-G-A. GRCh37 (hg19) VCF-style: chr19-11097269-G-A.
Other names: c.760G>A, p.Gly254Ser (NM_001128844.3, NM_001128845.2, NM_001128846.2 and 5 more transcripts); short protein forms G254S.
Identifiers: ClinVar variation 408625 (VCV000408625.15), dbSNP rs1060502071, ClinGen allele CA16616126.

ClinVar aggregate classification (germline): Uncertain significance. Review status: criteria provided, multiple submitters, no conflicts (2 of 4 stars). 3 submissions from 3 submitters: Uncertain significance (3). Last evaluated 2026-03-06.

Conditions:
Hereditary cancer-predisposing syndrome. Also called: Neoplastic Syndromes, Hereditary; Tumor predisposition; Hereditary neoplastic syndrome; Hereditary Cancer Syndrome. Identifiers: Orphanet 140162, MedGen C0027672, MeSH D009386, MONDO:0015356.
Intellectual disability, autosomal dominant 16 (CSS4). Also called: COFFIN-SIRIS SYNDROME 4. Identifiers: Orphanet 1465, MedGen C3553249, MONDO:0013821, OMIM 614609.
Rhabdoid tumor predisposition syndrome 2 (RTPS2). Identifiers: Orphanet 231108, Orphanet 69077, MedGen C2750074, MONDO:0013224, OMIM 613325.

Submissions (3):

Ambry Genetics
Classification: Uncertain significance for Hereditary cancer-predisposing syndrome. Last evaluated: 2026-03-06. Review status: criteria provided, single submitter. Criteria: Ambry Variant Classification Scheme 2023. Collection method: clinical testing. Allele origin: germline.
Comment: The p.G254S variant (also known as c.760G>A), located in coding exon 3 of the SMARCA4 gene, results from a G to A substitution at nucleotide position 760. The amino acid change results in glycine to serine at codon 254, an amino acid with similar properties. However, this change occurs in the last base pair of coding exon 3, which makes it likely to have some effect on normal mRNA splicing. This nucleotide position is highly conserved in available vertebrate species. This amino acid position is highly conserved in available vertebrate species. In silico splice site analysis predicts that this alteration may result in the creation or strengthening of a novel splice donor site; however, direct evidence is insufficient at this time (Ambry internal data). In addition, as a missense, the in silico prediction for this alteration is inconclusive. Based on the available evidence, the clinical significance of this variant remains unclear.

Labcorp Genetics (formerly Invitae), Labcorp
Classification: Uncertain significance for Rhabdoid tumor predisposition syndrome 2. Last evaluated: 2026-01-13. Review status: criteria provided, single submitter. Criteria: Invitae Variant Classification Sherloc (09022015). Collection method: clinical testing. Allele origin: germline.
Comment: This sequence change replaces glycine, which is neutral and non-polar, with serine, which is neutral and polar, at codon 254 of the SMARCA4 protein (p.Gly254Ser). This variant also falls at the last nucleotide of exon 4, which is part of the consensus splice site for this exon. This variant is not present in population databases (gnomAD no frequency). This variant has not been reported in the literature in individuals affected with SMARCA4-related conditions. ClinVar contains an entry for this variant (Variation ID: 408625). An algorithm developed to predict the effect of missense changes on protein structure and function (PolyPhen-2) suggests that this variant is likely to be disruptive. Variants that disrupt the consensus splice site are a relatively common cause of aberrant splicing (PMID: 17576681, 9536098). Algorithms developed to predict the effect of sequence changes on RNA splicing suggest that this variant may disrupt the consensus splice site. In summary, the available evidence is currently insufficient to determine the role of this variant in disease. Therefore, it has been classified as a Variant of Uncertain Significance.

3billion
Classification: Uncertain significance for Intellectual disability, autosomal dominant 16. Last evaluated: 2024-01-30. Review status: criteria provided, single submitter. Criteria: ACMG Guidelines, 2015. Collection method: clinical testing. Allele origin: germline. Affected: yes.
Comment: The variant is not observed in the gnomAD v2.1.1 dataset. Predicted Consequence/Location: Missense variant In silico tools predict the variant to alter splicing and produce an abnormal transcript [SpliceAI: 0.38 (>=0.2, moderate evidence for spliceogenicity)]. Therefore, this variant is classified as VUS according to the recommendation of ACMG/AMP guideline.

Literature cited by the submitters: PubMed 17576681 (cited by Labcorp Genetics (formerly Invitae), Labcorp); PubMed 9536098 (cited by Labcorp Genetics (formerly Invitae), Labcorp).